The following is an entry in ClinVar:

NM_001267550.2(TTN):c.107470T>C (p.Ser35824Pro)

Genes: TTN (titin; minus strand), TTN-AS1 (TTN antisense RNA 1; plus strand). Cytogenetic location: 2q31.2.
Variant type: single nucleotide variant.
Coding change: c.107470T>C on transcript NM_001267550.2 (MANE Select); coding-DNA position 107470, T replaced by C.
Protein change: p.Ser35824Pro; replaces serine 35824 with proline.
Molecular consequence: missense variant.
Genome position (GRCh38, 1-based): chr2:178,527,656, A>G on the plus strand (T>C on the coding strand, the complement: TTN is on the minus strand). VCF-style: chr2-178527656-A-G. GRCh37 (hg19) VCF-style: chr2-179392383-A-G.
Other names: c.102547T>C, p.Ser34183Pro (NM_001256850.1); c.80275T>C, p.Ser26759Pro (NM_003319.4); c.99766T>C, p.Ser33256Pro (NM_133378.4); c.80650T>C, p.Ser26884Pro (NM_133432.3); c.80851T>C, p.Ser26951Pro (NM_133437.4); short protein forms S26884P, S26951P, S33256P, S26759P, S34183P, S35824P.
Identifiers: ClinVar variation 2028770 (VCV002028770.4), dbSNP rs2468250922, ClinGen allele CA349400820.
Genomic context (GRCh38, chr2:178,527,656, plus strand): 5'-TCATGCTGCTAGCACTGCTGCTGCTGAAACTGCTGAAGGAGGCCTCCTGCTTGGAGGCAG[A>G]CATTTGGACTGACTGAGACGAGAAGCTTCCTTGCAAGCTTGTGTCACCACTTGTTCTCAA-3'
Protein context (NP_001254479.2, residues 35814-35834): GSFSSQSVQM[Ser35824Pro]ASKQEASFSS

ClinVar aggregate classification (germline): Uncertain significance (1 of 4 stars; one submission).

Conditions:
Dilated cardiomyopathy 1G (CMD1G). Identifiers: Orphanet 154, MedGen C1858763, MONDO:0011400, OMIM 604145.
Autosomal recessive limb-girdle muscular dystrophy type 2J (LGMDR10). Also called: Limb-girdle muscular dystrophy, type 2J; MUSCULAR DYSTROPHY, LIMB-GIRDLE, AUTOSOMAL RECESSIVE 10. Identifiers: Orphanet 140922, MedGen C1837342, MONDO:0012127, OMIM 608807.

Submission:

Labcorp Genetics (formerly Invitae), Labcorp
Classification: Uncertain significance for Dilated cardiomyopathy 1G; Autosomal recessive limb-girdle muscular dystrophy type 2J. Last evaluated: 2022-09-03. Review status: criteria provided, single submitter. Criteria: Invitae Variant Classification Sherloc (09022015). Collection method: clinical testing. Allele origin: germline.
Comment: This variant is located in the M band of TTN (PMID: 25589632). Variants in this region may be relevant for neuromuscular disorders, but have not been definitively shown to cause cardiomyopathy (PMID: 23975875). In summary, the available evidence is currently insufficient to determine the role of this variant in disease. Therefore, it has been classified as a Variant of Uncertain Significance. Experimental studies and prediction algorithms are not available or were not evaluated, and the functional significance of this variant is currently unknown. This variant has not been reported in the literature in individuals affected with TTN-related conditions. This variant is not present in population databases (gnomAD no frequency). This sequence change replaces serine, which is neutral and polar, with proline, which is neutral and non-polar, at codon 35824 of the TTN protein (p.Ser35824Pro).

Literature cited by the submitters: PubMed 25589632; PubMed 23975875.